The following is an entry in ClinVar:

NM_002439.5(MSH3):c.3177A>G (p.Ile1059Met)

Gene: MSH3 (mutS homolog 3; plus strand). Cytogenetic location: 5q14.1.
Variant type: single nucleotide variant.
Coding change: c.3177A>G on transcript NM_002439.5 (MANE Select); coding-DNA position 3177, A replaced by G.
Protein change: p.Ile1059Met; replaces isoleucine 1059 with methionine.
Molecular consequence: missense variant.
Genome position (GRCh38, 1-based): chr5:80,873,162, A>G. VCF-style: chr5-80873162-A-G. GRCh37 (hg19) VCF-style: chr5-80168981-A-G.
Other names: short protein forms I1059M.
Identifiers: ClinVar variation 861568 (VCV000861568.14), dbSNP rs1746250862, ClinGen allele CA360346883.

ClinVar aggregate classification (germline): Uncertain significance. Review status: criteria provided, multiple submitters, no conflicts (2 of 4 stars). 3 submissions from 3 submitters: Uncertain significance (3). Last evaluated 2025-07-23.

Conditions:
Hereditary cancer-predisposing syndrome. Also called: Tumor predisposition; Hereditary neoplastic syndrome; Neoplastic Syndromes, Hereditary; Hereditary Cancer Syndrome. Identifiers: Orphanet 140162, MedGen C0027672, MeSH D009386, MONDO:0015356.
Endometrial carcinoma. Also called: Endometrial carcinoma, somatic. Identifiers: MedGen C0476089, MONDO:0002447, OMIM 608089, HP:0012114.

Submissions (3):

Labcorp Genetics (formerly Invitae), Labcorp
Classification: Uncertain significance. Last evaluated: 2025-07-23. Review status: criteria provided, single submitter. Criteria: Invitae Variant Classification Sherloc (09022015). Collection method: clinical testing. Allele origin: germline.
Comment: This sequence change replaces isoleucine, which is neutral and non-polar, with methionine, which is neutral and non-polar, at codon 1059 of the MSH3 protein (p.Ile1059Met). This variant is not present in population databases (gnomAD no frequency). This variant has not been reported in the literature in individuals affected with MSH3-related conditions. ClinVar contains an entry for this variant (Variation ID: 861568). An algorithm developed to predict the effect of missense changes on protein structure and function (PolyPhen-2) suggests that this variant is likely to be disruptive. In summary, the available evidence is currently insufficient to determine the role of this variant in disease. Therefore, it has been classified as a Variant of Uncertain Significance.

Ambry Genetics
Classification: Uncertain significance for Hereditary cancer-predisposing syndrome. Last evaluated: 2025-02-02. Review status: criteria provided, single submitter. Criteria: Ambry Variant Classification Scheme 2023. Collection method: clinical testing. Allele origin: germline.
Comment: The p.I1059M variant (also known as c.3177A>G), located in coding exon 23 of the MSH3 gene, results from an A to G substitution at nucleotide position 3177. The isoleucine at codon 1059 is replaced by methionine, an amino acid with highly similar properties. This amino acid position is well conserved in available vertebrate species. In addition, the in silico prediction for this alteration is inconclusive. Since supporting evidence is limited at this time, the clinical significance of this alteration remains unclear.

Baylor Genetics
Classification: Uncertain significance for Endometrial carcinoma. Last evaluated: 2024-02-22. Review status: criteria provided, single submitter. Criteria: ACMG Guidelines, 2015. Collection method: clinical testing. Allele origin: unknown.